The following is an entry in ClinVar:

ClinVar aggregate classification (germline): Uncertain significance (1 of 4 stars; one submission).

Submission:

Ambry Genetics
Classification: Uncertain significance. Last evaluated: 2026-06-15. Review status: criteria provided, single submitter. Criteria: Ambry Variant Classification Scheme 2023. Collection method: clinical testing. Allele origin: germline.
Comment: The p.T183P variant (also known as c.547A>C), located in coding exon 4 of the GEN1 gene, results from an A to C substitution at nucleotide position 547. The threonine at codon 183 is replaced by proline, an amino acid with highly similar properties. This amino acid position is conserved. In addition, the in silico prediction for this alteration is inconclusive. Based on the available evidence, the clinical significance of this variant remains unclear.

NM_001130009.3(GEN1):c.547A>C (p.Thr183Pro)

Gene: GEN1 (GEN1 structure-specific endonuclease; plus strand). Cytogenetic location: 2p24.2.
Variant type: single nucleotide variant.
Coding change: c.547A>C on transcript NM_001130009.3 (MANE Select); coding-DNA position 547, A replaced by C.
Protein change: p.Thr183Pro; replaces threonine 183 with proline.
Molecular consequence: missense variant.
Genome position (GRCh38, 1-based): chr2:17,766,600, A>C. VCF-style: chr2-17766600-A-C. GRCh37 (hg19) VCF-style: chr2-17947867-A-C.
Other names: c.547A>C, p.Thr183Pro (NM_182625.5); short protein forms T183P.
Identifiers: ClinVar variation 5022282 (VCV005022282.1).
Genomic context (GRCh38, chr2:17,766,600, plus strand): 5'-TACTTTTTGAGGATTAAACTAAATCTGTTCTTTCTTTAGGACCCACATGTTGACTGTTAC[A>C]CAATGTCATCTATCAAGAGTAAACTAGGTTTGGATAGAGATGCTCTGGTTGGATTAGCAA-3'
Protein context (NP_001123481.3, residues 173-193): NTKDPHVDCY[Thr183Pro]MSSIKSKLGL